The following is an entry in ClinVar:

ClinVar aggregate classification (germline): Likely benign (0 of 4 stars; one submission).

Conditions:
CREBBP-related disorder. Also called: CREBBP-related condition; CREBBP-related disorders.

gnomAD v4.1: 13 of 1,613,596 alleles (0.00081%); highest among the groups gnomAD compares: Non-Finnish European, 0.00093%; no homozygotes.

Submission:

PreventionGenetics, part of Exact Sciences
Classification: Likely benign for CREBBP-related condition. Last evaluated: 2024-03-27. Review status: no assertion criteria provided. Collection method: clinical testing. Allele origin: germline.
Comment: This variant is classified as likely benign based on ACMG/AMP sequence variant interpretation guidelines (Richards et al. 2015 PMID: 25741868, with internal and published modifications).

NM_004380.3(CREBBP):c.6465T>C (p.Pro2155=)

Gene: CREBBP (CREB binding lysine acetyltransferase; minus strand). Cytogenetic location: 16p13.3.
Variant type: single nucleotide variant.
Coding change: c.6465T>C on transcript NM_004380.3 (MANE Select); coding-DNA position 6465, T replaced by C.
Protein change: p.Pro2155=; no amino-acid change (proline 2155 retained).
Molecular consequence: synonymous variant.
Genome position (GRCh38, 1-based): chr16:3,728,582, A>G on the plus strand (T>C on the coding strand, the complement: CREBBP is on the minus strand). VCF-style: chr16-3728582-A-G. GRCh37 (hg19) VCF-style: chr16-3778583-A-G.
Other names: c.6351T>C, p.Pro2117= (NM_001079846.1).
Identifiers: ClinVar variation 3348425 (VCV003348425.1).